The following is an entry in ClinVar:

NM_007294.4(BRCA1):c.370A>G (p.Ile124Val)

Gene: BRCA1 (BRCA1 DNA repair associated; minus strand). Cytogenetic location: 17q21.31.
Variant type: single nucleotide variant.
Coding change: c.370A>G on transcript NM_007294.4 (MANE Select); coding-DNA position 370, A replaced by G.
Protein change: p.Ile124Val; replaces isoleucine 124 with valine.
Molecular consequence: missense variant. On other transcripts: non-coding transcript variant (1).
Genome position (GRCh38, 1-based): chr17:43,104,193, T>C on the plus strand (A>G on the coding strand, the complement: BRCA1 is on the minus strand). VCF-style: chr17-43104193-T-C. GRCh37 (hg19) VCF-style: chr17-41256210-T-C.
Other names: 489A>G; c.370A>G, p.Ile124Val (NM_001408437.1, NM_001408438.1, NM_001408439.1 and 165 more transcripts); c.238A>G, p.Ile80Val (NM_001408451.1); c.229A>G, p.Ile77Val (NM_001408452.1, NM_001408453.1, NM_001408454.1 and 99 more transcripts); c.292A>G, p.Ile98Val (NM_001408474.1, NM_001408475.1, NM_001408476.1 and 21 more transcripts); c.160A>G, p.Ile54Val (NM_001408478.1, NM_001408479.1, NM_001408480.1 and 58 more transcripts); c.-12A>G (NM_001408510.1, NM_001408512.1, NM_001407959.1 and 4 more transcripts); c.361A>G, p.Ile121Val (NM_001407646.1, NM_001407647.1, NM_001408408.1); short protein forms I124V, I77V, I121V, I80V, I54V, I98V.
Identifiers: ClinVar variation 54971 (VCV000054971.22), dbSNP rs80357448, ClinGen allele CA002377.

ClinVar aggregate classification (germline): Benign. Review status: reviewed by expert panel (3 of 4 stars). 8 submissions from 8 submitters: Benign (1). 7 of the submissions do not count toward it. Last evaluated 2015-08-10.

Conditions:
Breast-ovarian cancer, familial, susceptibility to, 1 (BROVCA1). Also called: BRCA1 Hereditary Breast and Ovarian Cancer; OVARIAN CANCER, SUSCEPTIBILITY TO. Identifiers: Orphanet 145, MedGen C2676676, MONDO:0011450, OMIM 604370. Disease mechanism: loss of function.
Familial cancer of breast. Also called: hereditary breast carcinoma; BREAST CANCER, FAMILIAL; Hereditary breast cancer. Identifiers: Orphanet 227535, MedGen C0346153, MONDO:0016419, OMIM 114480. Disease mechanism: loss of function.
Fanconi anemia, complementation group S (FANCS). Identifiers: MedGen C4554406, MONDO:0054748, OMIM 617883.
Hereditary cancer-predisposing syndrome. Also called: Hereditary Cancer Syndrome; Hereditary neoplastic syndrome; Neoplastic Syndromes, Hereditary; Tumor predisposition. Identifiers: Orphanet 140162, MedGen C0027672, MeSH D009386, MONDO:0015356.
BRCA1-related disorder. Also called: BRCA1-related condition.
Hereditary breast ovarian cancer syndrome. Also called: BRCA1- and BRCA2-Associated Hereditary Breast and Ovarian Cancer; Hereditary breast and ovarian cancer syndrome; Hereditary breast and ovarian cancer syndrome (HBOC); Breast and ovarian cancer; Hereditary breast and/or ovarian cancer syndrome; Hereditary breast and ovarian cancer. Identifiers: Orphanet 145, MedGen C0677776, MeSH D061325, MONDO:0003582. Disease mechanism: loss of function.

Allele frequency attached by ClinVar (database versions not stated): gnomAD exomes 0.00001; TOPMed below 0.00001; gnomAD 0.00001.

Submissions (8):

Evidence-based Network for the Interpretation of Germline Mutant Alleles (ENIGMA)
Classification: Benign for Breast-ovarian cancer, familial 1. Last evaluated: 2015-08-10. Review status: reviewed by expert panel. Criteria: ENIGMA BRCA1/2 Classification Criteria (2015). Collection method: curation. Allele origin: germline.
Comment: IARC class based on posterior probability from multifactorial likelihood analysis, thresholds for class as per Plon et al. 2008 (PMID: 18951446). Class 1 based on posterior probability = 0.000139

Labcorp Genetics (formerly Invitae), Labcorp
Classification: Likely benign for Hereditary breast ovarian cancer syndrome. Last evaluated: 2026-01-26. Review status: criteria provided, single submitter. Criteria: Invitae Variant Classification Sherloc (09022015). Collection method: clinical testing. Allele origin: germline. Not counted in ClinVar's aggregate classification.

Department of Pathology and Laboratory Medicine, Sinai Health System
Classification: Likely benign for Familial cancer of breast; Breast-ovarian cancer, familial, susceptibility to, 1; Fanconi anemia, complementation group S. Last evaluated: 2024-01-26. Review status: criteria provided, single submitter. Criteria: ACMG Guidelines, 2015. Collection method: clinical testing. Allele origin: germline. Affected: yes. Not counted in ClinVar's aggregate classification.

Sema4
Classification: Likely benign for Hereditary cancer-predisposing syndrome. Last evaluated: 2021-08-04. Review status: criteria provided, single submitter. Criteria: Sema4 Curation Guidelines. Collection method: curation. Allele origin: germline. Not counted in ClinVar's aggregate classification.

Color Diagnostics, LLC DBA Color Health
Classification: Likely benign for Hereditary cancer-predisposing syndrome. Last evaluated: 2018-03-09. Review status: criteria provided, single submitter. Criteria: ACMG Guidelines, 2015. Collection method: clinical testing. Allele origin: germline. Not counted in ClinVar's aggregate classification.

Ambry Genetics
Classification: Benign for Hereditary cancer-predisposing syndrome. Last evaluated: 2014-11-18. Review status: criteria provided, single submitter. Criteria: Ambry Variant Classification Scheme 2023. Collection method: clinical testing. Allele origin: germline. Not counted in ClinVar's aggregate classification.

PreventionGenetics, part of Exact Sciences
Classification: Likely benign for BRCA1-related condition. Last evaluated: 2023-08-25. Review status: no assertion criteria provided. Collection method: clinical testing. Allele origin: germline. Not counted in ClinVar's aggregate classification.
Comment: This variant is classified as likely benign based on ACMG/AMP sequence variant interpretation guidelines (Richards et al. 2015 PMID: 25741868, with internal and published modifications).

Breast Cancer Information Core (BIC) (BRCA1)
Classification: Uncertain significance for Breast-ovarian cancer, familial 1. Last evaluated: 2010-12-17. Review status: no assertion criteria provided. Collection method: clinical testing. Allele origin: germline. Affected: yes. Observed: 2 variant alleles. Not counted in ClinVar's aggregate classification.

Literature cited by the submitters: PubMed 21990134 (cited by Evidence-based Network for the Interpretation of Germline Mutant Alleles (ENIGMA)); PubMed 30287823 (cited by Department of Pathology and Laboratory Medicine, Sinai Health System).